The following is an entry in ClinVar:

NM_001375567.1(FOCAD):c.3512C>T (p.Ala1171Val)

Gene: FOCAD (focadhesin; plus strand). Cytogenetic location: 9p21.3.
Variant type: single nucleotide variant.
Coding change: c.3512C>T on transcript NM_001375567.1 (MANE Select); coding-DNA position 3512, C replaced by T.
Protein change: p.Ala1171Val; replaces alanine 1171 with valine.
Molecular consequence: missense variant.
Genome position (GRCh38, 1-based): chr9:20,944,731, C>T. VCF-style: chr9-20944731-C-T. GRCh37 (hg19) VCF-style: chr9-20944730-C-T.
Other names: c.3407C>T, p.Ala1136Val (NM_001375568.1, NM_001375570.1); c.3512C>T, p.Ala1171Val (NM_017794.5); c.3512C>T (NM_017794.3); short protein forms A1136V, A1171V.
Identifiers: ClinVar variation 2634113 (VCV002634113.2), dbSNP rs762236544, ClinGen allele CA5007578.

ClinVar aggregate classification (germline): Uncertain significance. Review status: criteria provided, multiple submitters, no conflicts (2 of 4 stars). 2 submissions from 2 submitters: Uncertain significance (2). Last evaluated 2025-04-03.

Conditions:
Inborn genetic diseases. Identifiers: MedGen C0950123, MeSH D030342.
FOCAD-related disorder. Also called: FOCAD-related condition.

Allele frequency attached by ClinVar (database versions not stated): TOPMed 0.00002; ExAC 0.00003; gnomAD 0.00003; gnomAD exomes 0.00005.
gnomAD v4.1: 78 of 1,613,894 alleles (0.0048%); highest among the groups gnomAD compares: Non-Finnish European, 0.0063%; 1 homozygote.

Submissions (2):

Ambry Genetics
Classification: Uncertain significance for Inborn genetic diseases. Last evaluated: 2025-04-03. Review status: criteria provided, single submitter. Criteria: Ambry Variant Classification Scheme 2023. Collection method: clinical testing. Allele origin: germline.

PreventionGenetics, part of Exact Sciences
Classification: Uncertain significance for FOCAD-related condition. Last evaluated: 2022-10-21. Review status: criteria provided, single submitter. Criteria: ACMG Guidelines, 2015. Collection method: clinical testing. Allele origin: germline.
Comment: The FOCAD c.3512C>T variant is predicted to result in the amino acid substitution p.Ala1171Val. To our knowledge, this variant has not been reported in the literature. This variant is reported in 0.0053% of alleles in individuals of European (Non-Finnish) descent in gnomAD. At this time, the clinical significance of this variant is uncertain due to the absence of conclusive functional and genetic evidence.